The following is an entry in ClinVar:

NM_001430.5(EPAS1):c.295A>T (p.Ile99Phe)

Gene: EPAS1 (endothelial PAS domain protein 1; plus strand). Cytogenetic location: 2p21.
Variant type: single nucleotide variant.
Coding change: c.295A>T on transcript NM_001430.5 (MANE Select); coding-DNA position 295, A replaced by T.
Protein change: p.Ile99Phe; replaces isoleucine 99 with phenylalanine.
Molecular consequence: missense variant.
Genome position (GRCh38, 1-based): chr2:46,356,228, A>T. VCF-style: chr2-46356228-A-T. GRCh37 (hg19) VCF-style: chr2-46583367-A-T.
Other names: short protein forms I99F.
Identifiers: ClinVar variation 3508976 (VCV003508976.1).

ClinVar aggregate classification (germline): Uncertain significance (1 of 4 stars; one submission).

Conditions:
Inborn genetic diseases. Identifiers: MedGen C0950123, MeSH D030342.

gnomAD v4.1: 1 of 1,613,014 alleles (0.000062%); highest among the groups gnomAD compares: African/African-American, 0.0013%; no homozygotes.

Submission:

Ambry Genetics
Classification: Uncertain significance for Inborn genetic diseases. Last evaluated: 2024-08-28. Review status: criteria provided, single submitter. Criteria: Ambry Variant Classification Scheme 2023. Collection method: clinical testing. Allele origin: germline.
Comment: The p.I99F variant (also known as c.295A>T), located in coding exon 3 of the EPAS1 gene, results from an A to T substitution at nucleotide position 295. The isoleucine at codon 99 is replaced by phenylalanine, an amino acid with highly similar properties. This amino acid position is conserved. In addition, this alteration is predicted to be tolerated by in silico analysis. Based on the available evidence, the clinical significance of this variant remains unclear.